The following is an entry in ClinVar:

NM_052947.4(ALPK2):c.281G>A (p.Gly94Glu)

Gene: ALPK2 (alpha kinase 2; minus strand). Cytogenetic location: 18q21.31.
Variant type: single nucleotide variant.
Coding change: c.281G>A on transcript NM_052947.4 (MANE Select); coding-DNA position 281, G replaced by A.
Protein change: p.Gly94Glu; replaces glycine 94 with glutamic acid.
Molecular consequence: missense variant.
Genome position (GRCh38, 1-based): chr18:58,580,495, C>T on the plus strand (G>A on the coding strand, the complement: ALPK2 is on the minus strand). VCF-style: chr18-58580495-C-T. GRCh37 (hg19) VCF-style: chr18-56247727-C-T.
Other names: short protein forms G94E.
Identifiers: ClinVar variation 2497272 (VCV002497272.2), dbSNP rs2051952930, ClinGen allele CA402568325.

ClinVar aggregate classification (germline): Uncertain significance (1 of 4 stars; one submission).

Submission:

Ambry Genetics
Classification: Uncertain significance. Last evaluated: 2022-12-05. Review status: criteria provided, single submitter. Criteria: Ambry Variant Classification Scheme 2023. Collection method: clinical testing. Allele origin: germline.
Comment: The p.G94E variant (also known as c.281G>A), located in coding exon 3 of the ALPK2 gene, results from a G to A substitution at nucleotide position 281. The glycine at codon 94 is replaced by glutamic acid, an amino acid with similar properties. This amino acid position is conserved. In addition, this alteration is predicted to be tolerated by in silico analysis. Since supporting evidence is limited at this time, the clinical significance of this alteration remains unclear.